The following is an entry in ClinVar:

ClinVar aggregate classification (germline): Uncertain significance (1 of 4 stars; one submission).

Conditions:
Epilepsy. Also called: Seizure disorder. Identifiers: MedGen C0014544, MeSH D004827, MONDO:0005027.

Submission:

Labcorp Genetics (formerly Invitae), Labcorp
Classification: Uncertain significance for Epilepsy. Last evaluated: 2022-02-21. Review status: criteria provided, single submitter. Criteria: Invitae Variant Classification Sherloc (09022015). Collection method: clinical testing. Allele origin: germline.
Comment: In summary, the available evidence is currently insufficient to determine the role of this variant in disease. Therefore, it has been classified as a Variant of Uncertain Significance. This variant has not been reported in the literature in individuals affected with PIGQ-related conditions. This variant is not present in population databases (gnomAD no frequency). This sequence change results in a frameshift in the PIGQ gene (p.Trp573Glyfs*50). While this is not anticipated to result in nonsense mediated decay, it is expected to disrupt the last 9 amino acid(s) of the PIGQ protein and extend the protein by 40 additional amino acid residues.

NM_004204.5(PIGQ):c.1717del (p.Trp573fs)

Gene: PIGQ (phosphatidylinositol glycan anchor biosynthesis class Q; plus strand). Cytogenetic location: 16p13.3.
Variant type: Deletion.
Coding change: c.1717del on transcript NM_004204.5 (MANE Select); coding-DNA position 1717, one base deleted (T; older notation c.1717delT).
Protein change: p.Trp573fs; shifts the reading frame from tryptophan 573.
Molecular consequence: frameshift variant.
Genome position (GRCh38, 1-based): chr16:583,006, T deleted. VCF-style (leftmost placement, unchanged base first): chr16-583005-CT-C. GRCh37 (hg19) VCF-style: chr16-633005-CT-C.
Other names: c.1655del, p.Leu552fs (NM_148920.4); short protein forms L552fs, W573fs.
Identifiers: ClinVar variation 1422465 (VCV001422465.6), dbSNP rs2151050295, ClinGen allele CA2573151945.